The following is an entry in ClinVar:

NM_001166114.2(PNPLA6):c.3983G>T (p.Gly1328Val)

Gene: PNPLA6 (patatin like domain 6, lysophospholipase; plus strand). Cytogenetic location: 19p13.2.
Variant type: single nucleotide variant.
Coding change: c.3983G>T on transcript NM_001166114.2 (MANE Select); coding-DNA position 3983, G replaced by T.
Protein change: p.Gly1328Val; replaces glycine 1328 with valine.
Molecular consequence: missense variant.
Genome position (GRCh38, 1-based): chr19:7,561,277, G>T. VCF-style: chr19-7561277-G-T. GRCh37 (hg19) VCF-style: chr19-7626163-G-T.
Other names: c.4013G>T, p.Gly1338Val (NM_001166111.2); c.3788G>T, p.Gly1263Val (NM_001166112.2); c.3869G>T, p.Gly1290Val (NM_001166113.1, NM_006702.5); short protein forms G1338V, G1263V, G1290V, G1328V.
Identifiers: ClinVar variation 2064785 (VCV002064785.4), dbSNP rs2024089599, ClinGen allele CA403139532.
Genomic context (GRCh38, chr19:7,561,277, plus strand): 5'-CAGATTGTCTGACAGAGTATGAGGAGGACGCCGGACCCGACTGCTCGAGGGATGAAGGGG[G>T]GTCCCCCGAGGGCGCAAGCCCCAGCACTGCCTCCGAGATGGTGAGAGTGGGTGGCCCAGG-3'
Protein context (NP_001159586.1, residues 1318-1338): AGPDCSRDEG[Gly1328Val]SPEGASPSTA

ClinVar aggregate classification (germline): Uncertain significance (1 of 4 stars; one submission).

Conditions:
Hereditary spastic paraplegia 39 (SPG39). Also called: Spastic Paraplegia Type 39 (SPG39); SPASTIC PARAPLEGIA 39, AUTOSOMAL RECESSIVE. Identifiers: Orphanet 139480, MedGen C2677586, MONDO:0012787, OMIM 612020.

Submission:

Labcorp Genetics (formerly Invitae), Labcorp
Classification: Uncertain significance for Hereditary spastic paraplegia 39. Last evaluated: 2022-06-13. Review status: criteria provided, single submitter. Criteria: Invitae Variant Classification Sherloc (09022015). Collection method: clinical testing. Allele origin: germline.
Comment: In summary, the available evidence is currently insufficient to determine the role of this variant in disease. Therefore, it has been classified as a Variant of Uncertain Significance. Algorithms developed to predict the effect of missense changes on protein structure and function (SIFT, PolyPhen-2, Align-GVGD) all suggest that this variant is likely to be tolerated. This variant has not been reported in the literature in individuals affected with PNPLA6-related conditions. This variant is not present in population databases (gnomAD no frequency). This sequence change replaces glycine, which is neutral and non-polar, with valine, which is neutral and non-polar, at codon 1290 of the PNPLA6 protein (p.Gly1290Val).